The following is an entry in ClinVar:

ClinVar aggregate classification (germline): Uncertain significance (1 of 4 stars; one submission).

Submission:

Labcorp Genetics (formerly Invitae), Labcorp
Classification: Uncertain significance. Last evaluated: 2025-11-25. Review status: criteria provided, single submitter. Criteria: Invitae Variant Classification Sherloc (09022015). Collection method: clinical testing. Allele origin: germline.
Comment: This variant, c.496_504del, results in the deletion of 3 amino acid(s) of the DHX37 protein (p.Glu166_Glu168del), but otherwise preserves the integrity of the reading frame. The frequency data for this variant in the population databases is considered unreliable, as metrics indicate poor data quality at this position in the gnomAD database. This variant has not been reported in the literature in individuals affected with DHX37-related conditions. In summary, the available evidence is currently insufficient to determine the role of this variant in disease. Therefore, it has been classified as a Variant of Uncertain Significance.

NM_032656.4(DHX37):c.478GAG[6] (p.Glu166_Glu168del)

Gene: DHX37 (DEAH-box helicase 37; minus strand). Cytogenetic location: 12q24.31.
Variant type: Microsatellite.
Coding change: c.478GAG[6] on transcript NM_032656.4 (MANE Select); six copies in a row of the 3-base unit GAG starting at c.478; the reference has nine copies in a row; three copies, 9 bases deleted.
Protein change: p.Glu166_Glu168del.
Genome position (GRCh38, 1-based): chr12:124,980,724-124,980,732, CTCCTCCTC deleted on the plus strand (GAGGAGGAG on the coding strand, the reverse complement: DHX37 is on the minus strand); deleting any 9 consecutive bases within chr12:124,980,724-124,980,750 gives the same sequence; the position shown is the placement nearest the transcript's 3' end. VCF-style (leftmost placement, unchanged base first): chr12-124980723-ACTCCTCCTC-A. GRCh37 (hg19) VCF-style: chr12-125465269-ACTCCTCCTC-A.
Identifiers: ClinVar variation 4806929 (VCV004806929.1).